The following is an entry in ClinVar:

NM_000465.4(BARD1):c.1963G>A (p.Glu655Lys)

Gene: BARD1 (BRCA1 associated RING domain 1; minus strand). Cytogenetic location: 2q35.
Variant type: single nucleotide variant.
Coding change: c.1963G>A on transcript NM_000465.4 (MANE Select); coding-DNA position 1963, G replaced by A.
Protein change: p.Glu655Lys; replaces glutamic acid 655 with lysine.
Molecular consequence: missense variant. On other transcripts: non-coding transcript variant (3).
Genome position (GRCh38, 1-based): chr2:214,730,449, C>T on the plus strand (G>A on the coding strand, the complement: BARD1 is on the minus strand). VCF-style: chr2-214730449-C-T. GRCh37 (hg19) VCF-style: chr2-215595173-C-T.
Other names: c.1906G>A, p.Glu636Lys (NM_001282543.2); c.610G>A, p.Glu204Lys (NM_001282545.2); c.553G>A, p.Glu185Lys (NM_001282548.2); c.424G>A, p.Glu142Lys (NM_001282549.2); short protein forms E142K, E636K, E204K, E185K, E655K.
Identifiers: ClinVar variation 3260442 (VCV003260442.1).
Genomic context (GRCh38, chr2:214,730,449, plus strand): 5'-AGTTGTATTAAAAGAAAAATACCAGCTGTTCTCTGTTGAGCCTGCTTCTGCGTGGACCTT[C>T]AGGAATTTCATACTTTTCTTCCTGTTCACATACTTTTCTTCGTAGACATGCTTTTACCCC-3'
Protein context (NP_000456.2, residues 645-665): CEQEEKYEIP[Glu655Lys]GPRRSRLNRE

ClinVar aggregate classification (germline): Uncertain significance (1 of 4 stars; one submission).

Conditions:
Hereditary cancer-predisposing syndrome. Also called: Hereditary Cancer Syndrome; Tumor predisposition; Hereditary neoplastic syndrome; Neoplastic Syndromes, Hereditary. Identifiers: Orphanet 140162, MedGen C0027672, MeSH D009386, MONDO:0015356.

Submission:

Ambry Genetics
Classification: Uncertain significance for Hereditary cancer-predisposing syndrome. Last evaluated: 2024-05-15. Review status: criteria provided, single submitter. Criteria: Ambry Variant Classification Scheme 2023. Collection method: clinical testing. Allele origin: germline.
Comment: The p.E655K variant (also known as c.1963G>A), located in coding exon 10 of the BARD1 gene, results from a G to A substitution at nucleotide position 1963. The glutamic acid at codon 655 is replaced by lysine, an amino acid with similar properties. This amino acid position is conserved. In addition, this alteration is predicted to be tolerated by in silico analysis. Based on the available evidence, the clinical significance of this variant remains unclear.